The following is an entry in ClinVar:

NM_030962.4(SBF2):c.141+5G>A

Gene: SBF2 (SET binding factor 2; minus strand). Cytogenetic location: 11p15.4.
Variant type: single nucleotide variant.
Coding change: c.141+5G>A on transcript NM_030962.4 (MANE Select); 5 bases into the intron after coding-DNA position 141, G replaced by A.
Molecular consequence: intron variant.
Genome position (GRCh38, 1-based): chr11:10,193,897, C>T on the plus strand (G>A on the coding strand, the complement: SBF2 is on the minus strand). VCF-style: chr11-10193897-C-T. GRCh37 (hg19) VCF-style: chr11-10215444-C-T.
Other names: c.141+5G>A (NM_001386342.1, NM_001386339.1).
Identifiers: ClinVar variation 938153 (VCV000938153.6), dbSNP rs1284700305, ClinGen allele CA597704870.

ClinVar aggregate classification (germline): Uncertain significance (1 of 4 stars; one submission).

Conditions:
Charcot-Marie-Tooth disease type 4. Also called: Charcot-Marie-Tooth disease, type IV; Charcot-Marie-Tooth, Type 4. Identifiers: Orphanet 64749, MedGen C4082197, MONDO:0018995.

Allele frequency attached by ClinVar (database versions not stated): TOPMed below 0.00001; gnomAD exomes 0.00001 and 0.00002.
gnomAD v4.1: 22 of 1,596,890 alleles (0.0014%); highest among the groups gnomAD compares: Admixed American, 0.005%; no homozygotes.

Submission:

Labcorp Genetics (formerly Invitae), Labcorp
Classification: Uncertain significance for Charcot-Marie-Tooth disease type 4. Last evaluated: 2023-10-03. Review status: criteria provided, single submitter. Criteria: Invitae Variant Classification Sherloc (09022015). Collection method: clinical testing. Allele origin: germline.
Comment: This sequence change falls in intron 2 of the SBF2 gene. It does not directly change the encoded amino acid sequence of the SBF2 protein. It affects a nucleotide within the consensus splice site. This variant is present in population databases (no rsID available, gnomAD 0.003%). This variant has not been reported in the literature in individuals affected with SBF2-related conditions. ClinVar contains an entry for this variant (Variation ID: 938153). Variants that disrupt the consensus splice site are a relatively common cause of aberrant splicing (PMID: 17576681, 9536098). Algorithms developed to predict the effect of sequence changes on RNA splicing suggest that this variant may create or strengthen a splice site. In summary, the available evidence is currently insufficient to determine the role of this variant in disease. Therefore, it has been classified as a Variant of Uncertain Significance.

Literature cited by the submitters: PubMed 17576681; PubMed 9536098.